The following is an entry in ClinVar:

NM_001184880.2(PCDH19):c.2008G>C (p.Glu670Gln)

Gene: PCDH19 (protocadherin 19; minus strand). Cytogenetic location: Xq22.1.
Variant type: single nucleotide variant.
Coding change: c.2008G>C on transcript NM_001184880.2 (MANE Select); coding-DNA position 2008, G replaced by C.
Protein change: p.Glu670Gln; replaces glutamic acid 670 with glutamine.
Molecular consequence: missense variant.
Genome position (GRCh38, 1-based): chrX:100,406,590, C>G on the plus strand (G>C on the coding strand, the complement: PCDH19 is on the minus strand). VCF-style: chrX-100406590-C-G. GRCh37 (hg19) VCF-style: chrX-99661588-C-G.
Other names: c.2008G>C, p.Glu670Gln (NM_001105243.2, NM_020766.3); short protein forms E670Q.
Identifiers: ClinVar variation 1803757 (VCV001803757.1), dbSNP rs2520976178, ClinGen allele CA414001491.

ClinVar aggregate classification (germline): Uncertain significance (1 of 4 stars; one submission).

Conditions:
Developmental and epileptic encephalopathy, 9 (DEE9). Also called: Early infantile epileptic encephalopathy 9; JUBERG-HELLMAN SYNDROME; PCDH19-Related X-Linked Female-Limited Epilepsy with Mental Retardation; EPILEPSY, FEMALE-RESTRICTED, WITH MENTAL RETARDATION. Identifiers: Orphanet 101039, Orphanet 2076, MedGen C1848137, MONDO:0010246, OMIM 300088. Disease mechanism: loss of function.

Submission:

HudsonAlpha Institute for Biotechnology
Classification: Uncertain significance for Developmental and epileptic encephalopathy, 9. Last evaluated: 2022-10-31. Review status: criteria provided, single submitter. Criteria: ACMG Guidelines, 2015. Collection method: research. Allele origin: paternal. Observed: 1 variant allele. Study: HudsonAlpha-AGHI-WGS.
Comment: ACMG codes:PM2_Moderate